The following is an entry in ClinVar:

NM_004086.3(COCH):c.226G>A (p.Ala76Thr)

Genes: COCH (cochlin; plus strand), COCH-AS1 (COCH antisense RNA 1; minus strand). Cytogenetic location: 14q12.
Variant type: single nucleotide variant.
Coding change: c.226G>A on transcript NM_004086.3 (MANE Select); coding-DNA position 226, G replaced by A.
Protein change: p.Ala76Thr; replaces alanine 76 with threonine.
Molecular consequence: missense variant.
Genome position (GRCh38, 1-based): chr14:30,877,715, G>A. VCF-style: chr14-30877715-G-A. GRCh37 (hg19) VCF-style: chr14-31346921-G-A.
Other names: c.226G>A (NM_001135058.1); c.226G>A, p.Ala76Thr (NM_001135058.2); c.421G>A, p.Ala141Thr (NM_001347720.2); short protein forms A141T, A76T.
Identifiers: ClinVar variation 4857396 (VCV004857396.3).
Genomic context (GRCh38, chr14:30,877,715, plus strand): 5'-CTTGAGGAATTCTCTGTGTATGGGAACATAGTATATGCTTCTGTATCGAGCATATGTGGG[G>A]CTGCTGTCCACAGGTAAGCCCAAACACACCAGGGTGGGAGAGAAATGCAGACGTGATTAT-3'
Protein context (NP_004077.1, residues 66-86): VYASVSSICG[Ala76Thr]AVHRGVISNS

ClinVar aggregate classification (germline): Likely pathogenic. Review status: criteria provided, multiple submitters, no conflicts (2 of 4 stars). 3 submissions from 3 submitters: Likely pathogenic (3). Last evaluated 2025-03-05.

Conditions:
Autosomal dominant nonsyndromic hearing loss 9. Identifiers: Orphanet 90635, MedGen C1832425, MONDO:0011058, OMIM 601369.

Submissions (3):

Clinical Genetics Laboratory, University Hospital Schleswig-Holstein
Classification: Likely pathogenic for Autosomal dominant nonsyndromic hearing loss 9. Last evaluated: 2025-03-05. Review status: criteria provided, single submitter. Criteria: ACMG Guidelines, 2015. Collection method: clinical testing. Allele origin: germline. Affected: yes. Observed: 1 heterozygote.
Comment: ACMG criteria applied: PM2, PP3, PS3_Moderate, PP1, PP4

Precision Medicine Center, Zhengzhou University
Classification: Likely pathogenic for Autosomal dominant nonsyndromic hearing loss 9. Last evaluated: 2006-06-30. Review status: criteria provided, single submitter. Criteria: ClinGen HL ACMG Specifications v1. Collection method: clinical testing. Allele origin: maternal. Affected: yes.
Comment: PP1_strong+PM2+PP3:The COCH c.226G>A variant is absent or extremely rare in population databases (PM2). Segregation in six affected relatives for dominant(PP1_Strong). Multiple computational prediction tools support a deleterious effect on COCH protein function (PP3).According to the ACMG/AMP guidelines, this variant is classified as Likely Pathogenic.

Clinical Genetics Service, Universitary Hospital 12 de Octubre
Classification: Likely pathogenic for Autosomal dominant nonsyndromic hearing loss 9. Review status: criteria provided, single submitter. Criteria: ACMG Guidelines, 2015. Collection method: clinical testing. Allele origin: germline. Affected: yes.